The following is an entry in ClinVar:

NM_001930.4(DHPS):c.460_461del (p.Arg154fs)

Gene: DHPS (deoxyhypusine synthase; minus strand). Cytogenetic location: 19p13.13.
Variant type: Deletion.
Coding change: c.460_461del on transcript NM_001930.4 (MANE Select); coding-DNA positions 460 to 461, 2 bases deleted (AG; older notation c.460_461delAG).
Protein change: p.Arg154fs; shifts the reading frame from arginine 154.
Molecular consequence: frameshift variant. On other transcripts: 5 prime UTR variant (1), non-coding transcript variant (4).
Genome position (GRCh38, 1-based): chr19:12,679,834-12,679,835, CT deleted on the plus strand (AG on the coding strand, the reverse complement: DHPS is on the minus strand). VCF-style (leftmost placement, unchanged base first): chr19-12679833-CCT-C. GRCh37 (hg19) VCF-style: chr19-12790647-CCT-C.
Other names: c.334_335del, p.Arg112fs (NM_001206974.2); c.460_461del, p.Arg154fs (NM_001369691.1, NM_001369692.1, NM_013406.3); c.-90_-89del (NM_001369693.1); c.460_461del (NM_001930.3); short protein forms R112fs, R154fs.
Identifiers: ClinVar variation 1702982 (VCV001702982.6), dbSNP rs541400419, ClinGen allele CA9227811.
Genomic context (GRCh38, chr19:12,679,833, plus strand): 5'-CCTGCCCAACACCACTCAGGGTTCTCACCTATTGATCCCGTTCTCCCGGAGCTCCTTCCC[CCT>C]GAGGCTAAACTCGCCCAAGTATGTGGGCGCCAGGCACTTGATGAGGTCTTCCTCCACGCC-3'

ClinVar aggregate classification (germline): Conflicting classifications of pathogenicity. Review status: criteria provided, conflicting classifications (1 of 4 stars). 4 submissions from 4 submitters: Likely pathogenic (3); Uncertain significance (1). Last evaluated 2025-07-30.

Conditions:
Neurodevelopmental disorder with seizures and speech and walking impairment. Identifiers: MedGen C5193119, MONDO:0032775, OMIM 618480.

Allele frequency attached by ClinVar (database versions not stated): ExAC 0.00004; gnomAD 0.00008; TOPMed 0.00008; gnomAD exomes 0.00006 and 0.00008.

Submissions (4):

GeneDx
Classification: Uncertain significance. Last evaluated: 2025-07-30. Review status: criteria provided, single submitter. Criteria: GeneDx Variant Classification Process June 2021. Collection method: clinical testing. Allele origin: germline.
Comment: Frameshift variant predicted to result in protein truncation or nonsense mediated decay in a gene for which loss of function is a known mechanism of disease; Has not been previously published as pathogenic or benign to our knowledge

Variantyx, Inc.
Classification: Likely pathogenic for Neurodevelopmental disorder with seizures and speech and walking impairment. Last evaluated: 2025-07-27. Review status: criteria provided, single submitter. Criteria: Variantyx Assertion Criteria 2022. Collection method: clinical testing. Allele origin: germline. Inheritance: Autosomal recessive inheritance. Affected: no.
Comment: This is a frameshift variant in the DHPS gene (OMIM: 600944). Pathogenic variants in this gene have been associated with autosomal recessive neurodevelopmental disorder with seizures and speech and walking impairment. This variant introduces a premature termination codon in exon 3 out of 9 and is expected to result in loss of function, which is a known disease mechanism for DHPS in this disorder (PMID: 30661771) (PVS1). This variant has a 0.0165% maximum allele frequency in non-founder control populations (PM2). Based on the current evidence, this variant is classified as likely pathogenic for autosomal recessive neurodevelopmental disorder with seizures and speech and walking impairment.

Dasa
Classification: Likely pathogenic for Neurodevelopmental disorder with seizures and speech and walking impairment. Last evaluated: 2022-08-10. Review status: criteria provided, single submitter. Criteria: ACMG Guidelines, 2015. Collection method: clinical testing. Allele origin: germline. Affected: yes. Observed: 1 variant allele.
Comment: The c.460_461delp.(Arg154Glyfs*11) is a null frameshift variant (NMD) in the DHPS gene and predicts alteration of the nonsense-mediate decay - NMD is present in a relevant exon to the transcript - PVS1. The variant is present at low allele frequencies population databases (rs541400419 – gnomAD 0.0007884%; ABraOM no frequency) -PM2_supporting. In summary, the currently available evidence indicates that the variant is likely pathogenic.

Neuberg Centre For Genomic Medicine, NCGM
Classification: Likely pathogenic for Neurodevelopmental disorder with seizures and speech and walking impairment. Review status: criteria provided, single submitter. Criteria: ACMG Guidelines, 2015. Collection method: clinical testing. Allele origin: germline. Affected: yes.

Literature cited by the submitters: PubMed 30661771 (cited by Variantyx, Inc.).